The following is an entry in ClinVar:

ClinVar aggregate classification (germline): Uncertain significance. Review status: criteria provided, multiple submitters, no conflicts (2 of 4 stars). 2 submissions from 2 submitters: Uncertain significance (2). Last evaluated 2022-11-08.

Conditions:
Congenital hyperammonemia, type I. Also called: CPS I DEFICIENCY; Carbamoyl phosphate synthetase 1 deficiency; Hyperammonemia due to carbamoyl phosphate synthetase 1 deficiency; CPS 1 deficiency; Carbamyl phosphate synthetase (CPS) deficiency; Carbamoyl-phosphate synthase I deficiency. Identifiers: Orphanet 147, MedGen C4082171, MONDO:0009376, OMIM 237300.

Submissions (2):

Labcorp Genetics (formerly Invitae), Labcorp
Classification: Uncertain significance for Congenital hyperammonemia, type I. Last evaluated: 2022-11-08. Review status: criteria provided, single submitter. Criteria: Invitae Variant Classification Sherloc (09022015). Collection method: clinical testing. Allele origin: germline.
Comment: This sequence change replaces glycine, which is neutral and non-polar, with arginine, which is basic and polar, at codon 439 of the CPS1 protein (p.Gly439Arg). This variant is not present in population databases (gnomAD no frequency). In summary, the available evidence is currently insufficient to determine the role of this variant in disease. Therefore, it has been classified as a Variant of Uncertain Significance. Advanced modeling of protein sequence and biophysical properties (such as structural, functional, and spatial information, amino acid conservation, physicochemical variation, residue mobility, and thermodynamic stability) performed at Invitae indicates that this missense variant is expected to disrupt CPS1 protein function. ClinVar contains an entry for this variant (Variation ID: 1333580). This variant has not been reported in the literature in individuals affected with CPS1-related conditions.

3billion
Classification: Uncertain significance for Congenital hyperammonemia, type I. Last evaluated: 2022-01-03. Review status: criteria provided, single submitter. Criteria: ACMG Guidelines, 2015. Collection method: clinical testing. Allele origin: germline. Affected: yes. Observed: 1 heterozygote.
Comment: The variant not observed in the gnomAD v2.1.1 dataset (PM2_M). In silico tool predictions suggest damaging effect of the variant on gene or gene product (REVEL: 0.949, 3CNET: 0.954, PP3_P). Therefore, this variant is classified as uncertain significance according to the recommendation of ACMG/AMP guideline.

NM_001875.5(CPS1):c.1315G>A (p.Gly439Arg)

Gene: CPS1 (carbamoyl-phosphate synthase 1; plus strand). Cytogenetic location: 2q34.
Variant type: single nucleotide variant.
Coding change: c.1315G>A on transcript NM_001875.5 (MANE Select); coding-DNA position 1315, G replaced by A.
Protein change: p.Gly439Arg; replaces glycine 439 with arginine.
Molecular consequence: missense variant. On other transcripts: non-coding transcript variant (2).
Genome position (GRCh38, 1-based): chr2:210,595,538, G>A. VCF-style: chr2-210595538-G-A. GRCh37 (hg19) VCF-style: chr2-211460262-G-A.
Other names: c.1315G>A, p.Gly439Arg (NM_001122633.3, NM_001369257.1); c.1348G>A, p.Gly450Arg (NM_001369256.1); short protein forms G439R, G450R.
Identifiers: ClinVar variation 1333580 (VCV001333580.9), dbSNP rs2106118268, ClinGen allele CA350433143.